The following is an entry in ClinVar:

ClinVar aggregate classification (germline): Uncertain significance. Review status: criteria provided, multiple submitters, no conflicts (2 of 4 stars). 2 submissions from 2 submitters: Uncertain significance (2). Last evaluated 2026-02-18.

gnomAD v4.1: 2 of 1,602,008 alleles (0.00012%); highest among the groups gnomAD compares: Admixed American, 0.0017%; no homozygotes.

Submissions (2):

GeneDx
Classification: Uncertain significance. Last evaluated: 2026-02-18. Review status: criteria provided, single submitter. Criteria: GeneDx Variant Classification Process June 2021. Collection method: clinical testing. Allele origin: germline.
Comment: In silico analysis supports that this missense variant has a deleterious effect on protein structure/function; Has not been previously published as pathogenic or benign to our knowledge; Variants in candidate genes are classified as variants of uncertain significance in accordance with ACMG guidelines (PMID: 25741868)

Labcorp Genetics (formerly Invitae), Labcorp
Classification: Uncertain significance. Last evaluated: 2026-01-03. Review status: criteria provided, single submitter. Criteria: Invitae Variant Classification Sherloc (09022015). Collection method: clinical testing. Allele origin: germline.
Comment: This sequence change replaces asparagine, which is neutral and polar, with tyrosine, which is neutral and polar, at codon 312 of the CLIC5 protein (p.Asn312Tyr). This variant is present in population databases (no rsID available, gnomAD 0.003%). This variant has not been reported in the literature in individuals affected with CLIC5-related conditions. An algorithm developed to predict the effect of missense changes on protein structure and function (PolyPhen-2) suggests that this variant is likely to be disruptive. In summary, the available evidence is currently insufficient to determine the role of this variant in disease. Therefore, it has been classified as a Variant of Uncertain Significance.

NM_016929.5(CLIC5):c.457A>T (p.Asn153Tyr)

Gene: CLIC5 (CLIC family member 5; minus strand). Cytogenetic location: 6p21.1.
Variant type: single nucleotide variant.
Coding change: c.457A>T on transcript NM_016929.5 (MANE Select); coding-DNA position 457, A replaced by T.
Protein change: p.Asn153Tyr; replaces asparagine 153 with tyrosine.
Molecular consequence: missense variant. On other transcripts: non-coding transcript variant (3).
Genome position (GRCh38, 1-based): chr6:45,914,359, T>A on the plus strand (A>T on the coding strand, the complement: CLIC5 is on the minus strand). VCF-style: chr6-45914359-T-A. GRCh37 (hg19) VCF-style: chr6-45882096-T-A.
Other names: c.934A>T, p.Asn312Tyr (NM_001114086.2, NM_001370650.1); c.457A>T, p.Asn153Tyr (NM_001256023.2); c.340A>T, p.Asn114Tyr (NM_001370649.1); c.934A>T (NM_001114086.1); short protein forms N312Y, N114Y, N153Y.
Identifiers: ClinVar variation 4700533 (VCV004700533.2).